The following is an entry in ClinVar:

NM_003105.6(SORL1):c.5590G>A (p.Gly1864Ser)

Gene: SORL1 (sortilin related receptor 1; plus strand). Cytogenetic location: 11q24.1.
Variant type: single nucleotide variant.
Coding change: c.5590G>A on transcript NM_003105.6 (MANE Select); coding-DNA position 5590, G replaced by A.
Protein change: p.Gly1864Ser; replaces glycine 1864 with serine.
Molecular consequence: missense variant.
Genome position (GRCh38, 1-based): chr11:121,615,041, G>A. VCF-style: chr11-121615041-G-A. GRCh37 (hg19) VCF-style: chr11-121485750-G-A.
Other names: short protein forms G1864S.
Identifiers: ClinVar variation 4777193 (VCV004777193.1).

ClinVar aggregate classification (germline): Uncertain significance (1 of 4 stars; one submission).

gnomAD v4.1: 8 of 1,600,566 alleles (0.0005%); highest among the groups gnomAD compares: East Asian, 0.0022%; no homozygotes.

Submission:

Labcorp Genetics (formerly Invitae), Labcorp
Classification: Uncertain significance. Last evaluated: 2025-02-07. Review status: criteria provided, single submitter. Criteria: Invitae Variant Classification Sherloc (09022015). Collection method: clinical testing. Allele origin: germline.
Comment: This sequence change replaces glycine, which is neutral and non-polar, with serine, which is neutral and polar, at codon 1864 of the SORL1 protein (p.Gly1864Ser). This variant is present in population databases (rs777030825, gnomAD 0.006%). This variant has not been reported in the literature in individuals affected with SORL1-related conditions. An algorithm developed to predict the effect of missense changes on protein structure and function (PolyPhen-2) suggests that this variant is likely to be disruptive. In summary, the available evidence is currently insufficient to determine the role of this variant in disease. Therefore, it has been classified as a Variant of Uncertain Significance.